The following continues an entry in ClinVar:

NM_000018.4(ACADVL):c.637G>A (p.Ala213Thr)

Gene: ACADVL. ClinVar aggregate classification (germline): Likely pathogenic. Likely pathogenic (1).

Submissions 10 to 14 of 14:

Ambry Genetics
Classification: Likely pathogenic for Inborn genetic diseases. Last evaluated: 2022-01-19. Review status: criteria provided, single submitter. Criteria: Ambry Variant Classification Scheme 2023. Collection method: clinical testing. Allele origin: germline. Not counted in ClinVar's aggregate classification.
Comment: The c.637G>A (p.A213T) alteration is located in exon 8 (coding exon 8) of the ACADVL gene. This alteration results from a G to A substitution at nucleotide position 637, causing the alanine (A) at amino acid position 213 to be replaced by a threonine (T). Based on data from gnomAD, the A allele has an overall frequency of <0.01% (5/251298) total alleles studied. The highest observed frequency was 0.01% (2/34576) of Latino alleles. This variant has been reported in the homozygous and compound heterozygous states in patients with very long chain acyl-CoA dehydrogenase deficiency (Straussberg, 2002; Zhang, 2014; Gillingham, 2017). This amino acid position is highly conserved in available vertebrate species. This alteration is predicted to be deleterious by in silico analysis. Based on the available evidence, this alteration is classified as likely pathogenic.

Revvity Omics, Revvity
Classification: Likely pathogenic for Very long chain acyl-CoA dehydrogenase deficiency. Last evaluated: 2020-10-21. Review status: criteria provided, single submitter. Criteria: ACMG Guidelines, 2015. Collection method: clinical testing. Allele origin: germline. Not counted in ClinVar's aggregate classification.

Wong Mito Lab, Molecular and Human Genetics, Baylor College of Medicine
Classification: Pathogenic for Very long chain acyl-CoA dehydrogenase deficiency. Last evaluated: 2019-11-01. Review status: criteria provided, single submitter. Criteria: ACMG Guidelines, 2015. Collection method: clinical testing. Allele origin: germline. Not counted in ClinVar's aggregate classification.
Comment: The NM_000018.3:c.637G>A (NP_000009.1:p.Ala213Thr) [GRCH38: NC_000017.11:g.7221966G>A] variant in ACADVL gene is interpretated to be Pathogenic based on ACMG guidelines (PMID: 25741868). This variant has been reported in PMID: 12213615. This variant meets the following evidence codes reported in the ACMG guidelines: PS1, PS3

Eurofins Ntd Llc (ga)
Classification: Pathogenic. Last evaluated: 2014-09-30. Review status: criteria provided, single submitter. Criteria: EGL Classification Definitions 2015. Collection method: clinical testing. Allele origin: germline. Observed: 6 variant alleles, 5 heterozygotes, 1 homozygote. Not counted in ClinVar's aggregate classification.

Juno Genomics, Hangzhou Juno Genomics, Inc
Classification: Likely pathogenic for Very long chain acyl-CoA dehydrogenase deficiency. Review status: criteria provided, single submitter. Criteria: ACMG Guidelines, 2015. Collection method: clinical testing. Allele origin: germline. Not counted in ClinVar's aggregate classification.
Comment: Absent from controls (or at extremely low frequency if recessive) in Genome Aggregation Database.;Multiple lines of computational evidence support a deleterious effect on the gene or gene product.;For recessive disorders, detected in trans with a pathogenic variant.;Patient's phenotype or family history is highly specific for a disease with a single genetic etiology.

Literature cited by the submitters: PubMed 12213615 (cited by 5 submitters); PubMed 24801231 (cited by 4 submitters); PubMed 10077518 (cited by Labcorp Genetics (formerly Invitae), Labcorp); PubMed 28871440 (cited by Natera, Inc. and Ambry Genetics).